The following is an entry in ClinVar:

ClinVar aggregate classification (germline): Uncertain significance. Review status: criteria provided, multiple submitters, no conflicts (2 of 4 stars). 2 submissions from 2 submitters: Uncertain significance (2). Last evaluated 2025-09-20.

Conditions:
Autosomal dominant Alport syndrome (ATS3A). Also called: Alport syndrome dominant type; Renal failure and sensorineural hearing loss; ALPORT SYNDROME 3A, AUTOSOMAL DOMINANT. Identifiers: Orphanet 63, Orphanet 88918, MedGen C5882663, MONDO:0007086, OMIM 104200.
Hematuria, benign familial, 2 (BFH2). Identifiers: MedGen C5830421, MONDO:0958186, OMIM 620320.
Alport syndrome 3b, autosomal recessive. Identifiers: MedGen C5882699, MONDO:0957811, OMIM 620536.

gnomAD v4.1: 1 of 1,613,632 alleles (0.000062%); highest among the groups gnomAD compares: Non-Finnish European, 0.000085%; no homozygotes.

Submissions (2):

Labcorp Genetics (formerly Invitae), Labcorp
Classification: Uncertain significance. Last evaluated: 2025-09-20. Review status: criteria provided, single submitter. Criteria: Invitae Variant Classification Sherloc (09022015). Collection method: clinical testing. Allele origin: germline.
Comment: This sequence change replaces arginine, which is basic and polar, with threonine, which is neutral and polar, at codon 254 of the COL4A3 protein (p.Arg254Thr). The frequency data for this variant in the population databases is considered unreliable, as metrics indicate poor data quality at this position in the gnomAD database. This variant has not been reported in the literature in individuals affected with COL4A3-related conditions. ClinVar contains an entry for this variant (Variation ID: 3585989). Invitae Evidence Modeling of protein sequence and biophysical properties (such as structural, functional, and spatial information, amino acid conservation, physicochemical variation, residue mobility, and thermodynamic stability) indicates that this missense variant is not expected to disrupt COL4A3 protein function with a negative predictive value of 95%. In summary, the available evidence is currently insufficient to determine the role of this variant in disease. Therefore, it has been classified as a Variant of Uncertain Significance.

Fulgent Genetics
Classification: Uncertain significance for Autosomal dominant Alport syndrome; Hematuria, benign familial, 2; Alport syndrome 3b, autosomal recessive. Last evaluated: 2023-12-24. Review status: criteria provided, single submitter. Criteria: ACMG Guidelines, 2015. Collection method: clinical testing. Allele origin: germline.

NM_000091.5(COL4A3):c.761G>C (p.Arg254Thr)

Genes: MFF-DT (MFF divergent transcript; minus strand), COL4A3 (collagen type IV alpha 3 chain; plus strand). Cytogenetic location: 2q36.3.
Variant type: single nucleotide variant.
Coding change: c.761G>C on transcript NM_000091.5 (MANE Select); coding-DNA position 761, G replaced by C.
Protein change: p.Arg254Thr; replaces arginine 254 with threonine.
Molecular consequence: missense variant.
Genome position (GRCh38, 1-based): chr2:227,253,634, G>C. VCF-style: chr2-227253634-G-C. GRCh37 (hg19) VCF-style: chr2-228118350-G-C.
Other names: short protein forms R254T.
Identifiers: ClinVar variation 3585989 (VCV003585989.2).